The following is an entry in ClinVar:

ClinVar aggregate classification (germline): Likely benign. Review status: criteria provided, multiple submitters, no conflicts (2 of 4 stars). 4 submissions from 4 submitters: Likely benign (4). Last evaluated 2026-05-05.

Conditions:
MSH3-related disorder. Also called: MSH3-related condition.
Familial adenomatous polyposis 4 (FAP4). Also called: MSH3-related attenuated familial adenomatous polyposis. Identifiers: Orphanet 480536, MedGen C4310719, MONDO:0044300, OMIM 617100.

Allele frequency attached by ClinVar (database versions not stated): gnomAD 0.00002 and 0.00003; gnomAD exomes 0.00003 and 0.00005; TOPMed 0.00003; ExAC 0.00004.
gnomAD v4.1: 79 of 1,577,514 alleles (0.005%); highest among the groups gnomAD compares: Non-Finnish European, 0.0062%; no homozygotes.

Submissions (4):

PreventionGenetics, part of Exact Sciences
Classification: Likely benign for MSH3-related condition. Last evaluated: 2026-05-05. Review status: criteria provided, single submitter. Criteria: ACMG Guidelines, 2015. Collection method: clinical testing. Allele origin: germline.
Comment: This variant is classified as likely benign based on ACMG/AMP sequence variant interpretation guidelines (Richards et al. 2015 PMID: 25741868, with internal and published modifications).

Labcorp Genetics (formerly Invitae), Labcorp
Classification: Likely benign. Last evaluated: 2026-01-27. Review status: criteria provided, single submitter. Criteria: Invitae Variant Classification Sherloc (09022015). Collection method: clinical testing. Allele origin: germline.

Center for Genomic Medicine, Rigshospitalet, Copenhagen University Hospital
Classification: Likely benign. Last evaluated: 2025-03-04. Review status: criteria provided, single submitter. Criteria: ACMG Guidelines, 2015. Collection method: clinical testing. Allele origin: germline.

Department of Pathology and Laboratory Medicine, Sinai Health System
Classification: Likely benign for familial adenomatous polyposis 4. Last evaluated: 2023-09-20. Review status: criteria provided, single submitter. Criteria: ACMG Guidelines, 2015. Collection method: clinical testing. Allele origin: germline. Affected: yes.

NM_002439.5(MSH3):c.1028-6T>C

Gene: MSH3 (mutS homolog 3; plus strand). Cytogenetic location: 5q14.1.
Variant type: single nucleotide variant.
Coding change: c.1028-6T>C on transcript NM_002439.5 (MANE Select); 6 bases into the intron before coding-DNA position 1028, T replaced by C.
Molecular consequence: intron variant.
Genome position (GRCh38, 1-based): chr5:80,674,977, T>C. VCF-style: chr5-80674977-T-C. GRCh37 (hg19) VCF-style: chr5-79970796-T-C.
Identifiers: ClinVar variation 759038 (VCV000759038.18), dbSNP rs769258876, ClinGen allele CA3327780.